The following is an entry in ClinVar:

NM_001792.5(CDH2):c.1989G>A (p.Gln663=)

Gene: CDH2 (cadherin 2; minus strand). Cytogenetic location: 18q12.1.
Variant type: single nucleotide variant.
Coding change: c.1989G>A on transcript NM_001792.5 (MANE Select); coding-DNA position 1989, G replaced by A.
Protein change: p.Gln663=; no amino-acid change (glutamine 663 retained).
Molecular consequence: synonymous variant.
Genome position (GRCh38, 1-based): chr18:27,985,220, C>T on the plus strand (G>A on the coding strand, the complement: CDH2 is on the minus strand). VCF-style: chr18-27985220-C-T. GRCh37 (hg19) VCF-style: chr18-25565184-C-T.
Other names: c.1989G>A (NM_001792.4); c.1896G>A, p.Gln632= (NM_001308176.2).
Identifiers: ClinVar variation 1783912 (VCV001783912.11), dbSNP rs772715062, ClinGen allele CA8923259.

ClinVar aggregate classification (germline): Likely benign. Review status: criteria provided, multiple submitters, no conflicts (2 of 4 stars). 5 submissions from 5 submitters: Likely benign (4). 1 of the submissions does not count toward it. Last evaluated 2026-08-01.

Conditions:
Inborn genetic diseases. Identifiers: MedGen C0950123, MeSH D030342.
CDH2-related disorder. Also called: CDH2-related condition.

Allele frequency attached by ClinVar (database versions not stated): gnomAD exomes 0.00005; gnomAD 0.00001; ExAC 0.00002; TOPMed 0.00002.

Submissions (5):

CeGaT Center for Human Genetics Tuebingen
Classification: Likely benign. Last evaluated: 2026-08-01. Review status: criteria provided, single submitter. Criteria: CeGaT Center For Human Genetics Tuebingen Variant Classification Criteria Version 2. Collection method: clinical testing. Allele origin: germline. Affected: yes. Observed: 1 variant allele.
Comment: CDH2: BP4, BP7

Labcorp Genetics (formerly Invitae), Labcorp
Classification: Likely benign. Last evaluated: 2025-12-24. Review status: criteria provided, single submitter. Criteria: Invitae Variant Classification Sherloc (09022015). Collection method: clinical testing. Allele origin: germline.

Blueprint Genetics
Classification: Likely benign. Last evaluated: 2024-11-12. Review status: criteria provided, single submitter. Criteria: ACMG Guidelines, 2015. Collection method: clinical testing. Allele origin: germline.

Ambry Genetics
Classification: Likely benign for Inborn genetic diseases. Last evaluated: 2022-08-16. Review status: criteria provided, single submitter. Criteria: Ambry Variant Classification Scheme 2023. Collection method: clinical testing. Allele origin: germline.

PreventionGenetics, part of Exact Sciences
Classification: Likely benign for CDH2-related condition. Last evaluated: 2019-03-25. Review status: no assertion criteria provided. Collection method: clinical testing. Allele origin: germline. Not counted in ClinVar's aggregate classification.
Comment: This variant is classified as likely benign based on ACMG/AMP sequence variant interpretation guidelines (Richards et al. 2015 PMID: 25741868, with internal and published modifications).